The following is an entry in ClinVar:

ClinVar aggregate classification (germline): Uncertain significance (1 of 4 stars; one submission).

Conditions:
Epilepsy, childhood absence, susceptibility to, 5. Identifiers: Orphanet 64280, MedGen C2677087, MONDO:0012843, OMIM 612269.
Epilepsy, childhood absence, susceptibility to, 1. Also called: Epilepsy, childhood absence 1. Identifiers: Orphanet 64280, MedGen C1838604, MONDO:0020759, OMIM 600131.

Submission:

Labcorp Genetics (formerly Invitae), Labcorp
Classification: Uncertain significance for Epilepsy, childhood absence, susceptibility to, 5; Epilepsy, childhood absence, susceptibility to, 1. Last evaluated: 2025-02-07. Review status: criteria provided, single submitter. Criteria: Invitae Variant Classification Sherloc (09022015). Collection method: clinical testing. Allele origin: germline.
Comment: This sequence change replaces alanine, which is neutral and non-polar, with proline, which is neutral and non-polar, at codon 5 of the GABRB3 protein (p.Ala5Pro). This variant is not present in population databases (gnomAD no frequency). This variant has not been reported in the literature in individuals affected with GABRB3-related conditions. Invitae Evidence Modeling of protein sequence and biophysical properties (such as structural, functional, and spatial information, amino acid conservation, physicochemical variation, residue mobility, and thermodynamic stability) indicates that this missense variant is not expected to disrupt GABRB3 protein function with a negative predictive value of 95%. In summary, the available evidence is currently insufficient to determine the role of this variant in disease. Therefore, it has been classified as a Variant of Uncertain Significance.

NM_000814.6(GABRB3):c.13G>C (p.Ala5Pro)

Gene: GABRB3 (gamma-aminobutyric acid type A receptor subunit beta3; minus strand). Cytogenetic location: 15q12.
Variant type: single nucleotide variant.
Coding change: c.13G>C on transcript NM_000814.6 (MANE Select); coding-DNA position 13, G replaced by C.
Protein change: p.Ala5Pro; replaces alanine 5 with proline.
Molecular consequence: missense variant. On other transcripts: 5 prime UTR variant (1), intron variant (1).
Genome position (GRCh38, 1-based): chr15:26,772,950, C>G on the plus strand (G>C on the coding strand, the complement: GABRB3 is on the minus strand). VCF-style: chr15-26772950-C-G. GRCh37 (hg19) VCF-style: chr15-27018097-C-G.
Other names: c.-339G>C (NM_001278631.2); c.81-178G>C (NM_021912.5); short protein forms A5P.
Identifiers: ClinVar variation 4792199 (VCV004792199.1).
Genomic context (GRCh38, chr15:26,772,950, plus strand): 5'-CGCAGCACACCACAGCCACCAGCACCGGGGCCGAGAAGATGCCGAAAAGCCTTCCTCCCG[C>G]AAGGCCCCACATCCCTCCGCCGCGCCCCGGCACGGGGGAGGGGGCGCCCCGCCGCCGTCG-3'
Protein context (NP_000805.1, residues 1-15): MWGL[Ala5Pro]GGRLFGIFSA